The following is an entry in ClinVar:

NM_001126108.2(SLC12A3):c.1124C>A (p.Thr375Asn)

Gene: SLC12A3 (solute carrier family 12 member 3; plus strand). Cytogenetic location: 16q13.
Variant type: single nucleotide variant.
Coding change: c.1124C>A on transcript NM_001126108.2 (MANE Select); coding-DNA position 1124, C replaced by A.
Protein change: p.Thr375Asn; replaces threonine 375 with asparagine.
Molecular consequence: missense variant.
Genome position (GRCh38, 1-based): chr16:56,878,105, C>A. VCF-style: chr16-56878105-C-A. GRCh37 (hg19) VCF-style: chr16-56912017-C-A.
Other names: c.1124C>A, p.Thr375Asn (NM_000339.3); c.1121C>A, p.Thr374Asn (NM_001126107.2, NM_001410896.1); c.1124C>A (NM_000339.2); short protein forms T374N, T375N.
Identifiers: ClinVar variation 3580999 (VCV003580999.2).
Genomic context (GRCh38, chr16:56,878,105, plus strand): 5'-TCCCTCCCTCCCTCTCTCCCTCCCTCCTTCAGGACCCTGCTATAGCCATCCCCAAGGGGA[C>A]CCTCATGGCCATTTTCTGGACGACCATTTCCTACCTGGCCATCTCAGCCACCATTGGTAA-3'
Protein context (NP_001119580.2, residues 365-385): KDPAIAIPKG[Thr375Asn]LMAIFWTTIS

ClinVar aggregate classification (germline): Likely pathogenic. Review status: criteria provided, multiple submitters, no conflicts (2 of 4 stars). 2 submissions from 2 submitters: Likely pathogenic (2). Last evaluated 2026-01-14.

Conditions:
Familial hypokalemia-hypomagnesemia (GTLMNS). Also called: HYPOMAGNESEMIA-HYPOKALEMIA, PRIMARY RENOTUBULAR, WITH HYPOCALCIURIA; POTASSIUM AND MAGNESIUM DEPLETION; gitelman syndrome. Identifiers: Orphanet 358, MedGen C0268450, MONDO:0009904, OMIM 263800.

gnomAD v4.1: 1 of 1,606,002 alleles (0.000062%); highest among the groups gnomAD compares: Admixed American, 0.0017%; no homozygotes.

Submissions (2):

Natera, Inc.
Classification: Likely pathogenic for Gitelman syndrome. Last evaluated: 2026-01-14. Review status: criteria provided, single submitter. Criteria: Natera Variant Classification Schema (03/2026). Collection method: clinical testing. Allele origin: germline.
Comment: The c.1124C>A variant in SLC12A3 is a missense variant predicted to cause substitution of threonine to asparagine at amino acid 375. This variant is rare in the general population with a frequency below the threshold expected for the associated phenotype(s). This variant has been observed in one or more individuals affected with the associated recessive disease, as either homozygous or compound heterozygous with a second variant (PMID: 21415153, 41057907, 35628451). Computational prediction algorithms indicate this variant is likely to affect gene or protein function. Given the available evidence, this variant is classified as Likely Pathogenic.

Fulgent Genetics
Classification: Likely pathogenic for Familial hypokalemia-hypomagnesemia. Last evaluated: 2024-04-07. Review status: criteria provided, single submitter. Criteria: ACMG Guidelines, 2015. Collection method: clinical testing. Allele origin: germline.

Literature cited by the submitters: PubMed 21415153 (cited by Natera, Inc.); PubMed 41057907 (cited by Natera, Inc.); PubMed 35628451 (cited by Natera, Inc.).